The following is an entry in ClinVar:

NM_020436.5(SALL4):c.2704A>G (p.Ile902Val)

Gene: SALL4 (spalt like transcription factor 4; minus strand). Cytogenetic location: 20q13.2.
Variant type: single nucleotide variant.
Coding change: c.2704A>G on transcript NM_020436.5 (MANE Select); coding-DNA position 2704, A replaced by G.
Protein change: p.Ile902Val; replaces isoleucine 902 with valine.
Molecular consequence: missense variant.
Genome position (GRCh38, 1-based): chr20:51,788,899, T>C on the plus strand (A>G on the coding strand, the complement: SALL4 is on the minus strand). VCF-style: chr20-51788899-T-C. GRCh37 (hg19) VCF-style: chr20-50405438-T-C.
Other names: c.1393A>G, p.Ile465Val (NM_001318031.2); short protein forms I465V, I902V.
Identifiers: ClinVar variation 1406494 (VCV001406494.7), dbSNP rs2122959420, ClinGen allele CA409006517.

ClinVar aggregate classification (germline): Uncertain significance (1 of 4 stars; one submission).

Conditions:
Duane-radial ray syndrome (DRRS). Also called: Duane-Radial Ray Syndrome/Okihiro Syndrome; Duane-Radial Ray Syndrome (DRRS) / Okihiro Syndrome; DR SYNDROME; ACRORENOOCULAR SYNDROME; DUANE ANOMALY WITH RADIAL RAY ABNORMALITIES AND DEAFNESS; Okihiro Syndrome. Identifiers: Orphanet 93293, Orphanet 959, MedGen C1623209, MONDO:0011812, OMIM 607323. Disease mechanism: gain of function.

Submission:

Labcorp Genetics (formerly Invitae), Labcorp
Classification: Uncertain significance for Duane-radial ray syndrome. Last evaluated: 2022-06-27. Review status: criteria provided, single submitter. Criteria: Invitae Variant Classification Sherloc (09022015). Collection method: clinical testing. Allele origin: germline.
Comment: This sequence change replaces isoleucine, which is neutral and non-polar, with valine, which is neutral and non-polar, at codon 902 of the SALL4 protein (p.Ile902Val). This variant is not present in population databases (gnomAD no frequency). This variant has not been reported in the literature in individuals affected with SALL4-related conditions. Algorithms developed to predict the effect of missense changes on protein structure and function output the following: SIFT: "Tolerated"; PolyPhen-2: "Benign"; Align-GVGD: "Class C0". The valine amino acid residue is found in multiple mammalian species, which suggests that this missense change does not adversely affect protein function. In summary, the available evidence is currently insufficient to determine the role of this variant in disease. Therefore, it has been classified as a Variant of Uncertain Significance.